The following is an entry in ClinVar:

ClinVar aggregate classification (germline): Uncertain significance. Review status: criteria provided, multiple submitters, no conflicts (2 of 4 stars). 4 submissions from 4 submitters: Uncertain significance (3). 1 of the submissions does not count toward it. Last evaluated 2025-08-11.

Conditions:
TH-deficient dopa-responsive dystonia. Also called: DYT-TH; Tyrosine Hydroxylase-Deficient Dopa-Responsive Dystonia; Segawa syndrome, autosomal recessive. Identifiers: Orphanet 101150, MedGen C2673535, MONDO:0011551, OMIM 605407.
Inborn genetic diseases. Identifiers: MedGen C0950123, MeSH D030342.

Allele frequency attached by ClinVar (database versions not stated): gnomAD exomes below 0.00001 and 0.00001; gnomAD 0.00001; TOPMed 0.00004.
gnomAD v4.1: 6 of 1,613,506 alleles (0.00037%); highest among the groups gnomAD compares: Admixed American, 0.01%; 1 homozygote.

Submissions (4):

Ambry Genetics
Classification: Uncertain significance for Inborn genetic diseases. Last evaluated: 2025-08-11. Review status: criteria provided, single submitter. Criteria: Ambry Variant Classification Scheme 2023. Collection method: clinical testing. Allele origin: germline.

Labcorp Genetics (formerly Invitae), Labcorp
Classification: Uncertain significance for TH-deficient dopa-responsive dystonia. Last evaluated: 2022-10-13. Review status: criteria provided, single submitter. Criteria: Invitae Variant Classification Sherloc (09022015). Collection method: clinical testing. Allele origin: germline.
Comment: This sequence change replaces leucine, which is neutral and non-polar, with methionine, which is neutral and non-polar, at codon 204 of the TH protein (p.Leu204Met). This variant is present in population databases (no rsID available, gnomAD 0.006%), including at least one homozygous and/or hemizygous individual. This variant has not been reported in the literature in individuals affected with TH-related conditions. ClinVar contains an entry for this variant (Variation ID: 566840). Advanced modeling of protein sequence and biophysical properties (such as structural, functional, and spatial information, amino acid conservation, physicochemical variation, residue mobility, and thermodynamic stability) has been performed at Invitae for this missense variant, however the output from this modeling did not meet the statistical confidence thresholds required to predict the impact of this variant on TH protein function. In summary, the available evidence is currently insufficient to determine the role of this variant in disease. Therefore, it has been classified as a Variant of Uncertain Significance.

Breakthrough Genomics
Classification: Uncertain significance. Review status: criteria provided, single submitter. Criteria: ACMG Guidelines, 2015. Collection method: not provided. Allele origin: germline. Inheritance: Autosomal recessive inheritance. Affected: yes.

Natera, Inc.
Classification: Uncertain significance for Autosomal recessive Segawa syndrome. Last evaluated: 2020-08-07. Review status: no assertion criteria provided. Collection method: clinical testing. Allele origin: germline. Not counted in ClinVar's aggregate classification.

NM_000360.4(TH):c.517C>A (p.Leu173Met)

Gene: TH (tyrosine hydroxylase; minus strand). Cytogenetic location: 11p15.5.
Variant type: single nucleotide variant.
Coding change: c.517C>A on transcript NM_000360.4 (MANE Select); coding-DNA position 517, C replaced by A.
Protein change: p.Leu173Met; replaces leucine 173 with methionine.
Molecular consequence: missense variant.
Genome position (GRCh38, 1-based): chr11:2,168,150, G>T on the plus strand (C>A on the coding strand, the complement: TH is on the minus strand). VCF-style: chr11-2168150-G-T. GRCh37 (hg19) VCF-style: chr11-2189380-G-T.
Other names: c.610C>A, p.Leu204Met (NM_199292.3); c.598C>A, p.Leu200Met (NM_199293.3); short protein forms L204M, L200M, L173M.
Identifiers: ClinVar variation 566840 (VCV000566840.7), dbSNP rs1468608879, ClinGen allele CA379128572.